The following is an entry in ClinVar:

NM_000264.5(PTCH1):c.3890G>T (p.Arg1297Leu)

Gene: PTCH1 (patched 1; minus strand). Cytogenetic location: 9q22.32.
Variant type: single nucleotide variant.
Coding change: c.3890G>T on transcript NM_000264.5 (MANE Select); coding-DNA position 3890, G replaced by T.
Protein change: p.Arg1297Leu; replaces arginine 1297 with leucine.
Molecular consequence: missense variant. On other transcripts: non-coding transcript variant (1).
Genome position (GRCh38, 1-based): chr9:95,447,366, C>A on the plus strand (G>T on the coding strand, the complement: PTCH1 is on the minus strand). VCF-style: chr9-95447366-C-A. GRCh37 (hg19) VCF-style: chr9-98209648-C-A.
Other names: c.3437G>T, p.Arg1146Leu (NM_001083607.3, NM_001083604.3, NM_001083605.3 and 1 more transcripts); c.3734G>T, p.Arg1245Leu (NM_001354918.2); c.3692G>T, p.Arg1231Leu (NM_001083602.3); c.3887G>T, p.Arg1296Leu (NM_001083603.3); short protein forms R1146L, R1231L, R1245L, R1296L, R1297L.
Identifiers: ClinVar variation 4862705 (VCV004862705.1).
Genomic context (GRCh38, chr9:95,447,366, plus strand): 5'-CTGTAGGGGGGTGGCCACAAGCCTTCTCTGGGGGGGTCCCTGCGGGGCTGCTGGCCTTGC[C>A]GTCCGGGAGGCAGGGACCCTGAGTCCAGGTGGGGCTGCTGTCTCGGGTTCGAGGGTGGGT-3'
Protein context (NP_000255.2, residues 1287-1307): HLDSGSLPPG[Arg1297Leu]QGQQPRRDPP

ClinVar aggregate classification (germline): Uncertain significance (1 of 4 stars; one submission).

Conditions:
Hereditary cancer-predisposing syndrome. Also called: Neoplastic Syndromes, Hereditary; Tumor predisposition; Hereditary Cancer Syndrome; Hereditary neoplastic syndrome. Identifiers: Orphanet 140162, MedGen C0027672, MeSH D009386, MONDO:0015356.

Submission:

Ambry Genetics
Classification: Uncertain significance for Hereditary cancer-predisposing syndrome. Last evaluated: 2026-05-30. Review status: criteria provided, single submitter. Criteria: Ambry Variant Classification Scheme 2023. Collection method: clinical testing. Allele origin: germline.
Comment: The p.R1297L variant (also known as c.3890G>T), located in coding exon 23 of the PTCH1 gene, results from a G to T substitution at nucleotide position 3890. The arginine at codon 1297 is replaced by leucine, an amino acid with dissimilar properties. This amino acid position is conserved. In addition, this alteration is predicted to be tolerated by in silico analysis. Based on the available evidence, the clinical significance of this variant remains unclear.